The following is an entry in ClinVar:

NM_054012.4(ASS1):c.323G>A (p.Arg108Gln)

Gene: ASS1 (argininosuccinate synthase 1; plus strand). Cytogenetic location: 9q34.11.
Variant type: single nucleotide variant.
Coding change: c.323G>A on transcript NM_054012.4 (MANE Select); coding-DNA position 323, G replaced by A.
Protein change: p.Arg108Gln; replaces arginine 108 with glutamine.
Molecular consequence: missense variant.
Genome position (GRCh38, 1-based): chr9:130,458,549, G>A. VCF-style: chr9-130458549-G-A. GRCh37 (hg19) VCF-style: chr9-133333936-G-A.
Other names: c.323G>A, p.Arg108Gln (NM_000050.4); short protein forms R108Q.
Identifiers: ClinVar variation 2167184 (VCV002167184.1), dbSNP rs35269064, ClinGen allele CA5283225.

ClinVar aggregate classification (germline): Uncertain significance (1 of 4 stars; one submission).

Conditions:
Citrullinemia. Identifiers: Orphanet 187, MedGen C0175683, MONDO:0015991.

gnomAD v4.1: 10 of 1,613,244 alleles (0.00062%); highest among the groups gnomAD compares: East Asian, 0.0067%; no homozygotes.

Submission:

Labcorp Genetics (formerly Invitae), Labcorp
Classification: Uncertain significance for Citrullinemia. Last evaluated: 2022-04-19. Review status: criteria provided, single submitter. Criteria: Invitae Variant Classification Sherloc (09022015). Collection method: clinical testing. Allele origin: germline.
Comment: This sequence change replaces arginine, which is basic and polar, with glutamine, which is neutral and polar, at codon 108 of the ASS1 protein (p.Arg108Gln). This variant is present in population databases (rs35269064, gnomAD 0.02%). This variant has not been reported in the literature in individuals affected with ASS1-related conditions. Algorithms developed to predict the effect of missense changes on protein structure and function (SIFT, PolyPhen-2, Align-GVGD) all suggest that this variant is likely to be tolerated. In summary, the available evidence is currently insufficient to determine the role of this variant in disease. Therefore, it has been classified as a Variant of Uncertain Significance.